The following is an entry in ClinVar:

NM_000744.7(CHRNA4):c.1209_1210delinsTT (p.Pro404Ser)

Gene: CHRNA4 (cholinergic receptor nicotinic alpha 4 subunit; minus strand). Cytogenetic location: 20q13.33.
Variant type: Indel.
Coding change: c.1209_1210delinsTT on transcript NM_000744.7 (MANE Select); coding-DNA positions 1209 to 1210, GC replaced by TT.
Protein change: p.Pro404Ser; replaces proline 404 with serine.
Molecular consequence: missense variant. On other transcripts: non-coding transcript variant (1).
Genome position (GRCh38, 1-based): chr20:63,350,201-63,350,202, GC replaced by AA on the plus strand (GC replaced by TT on the coding strand, the reverse complement: CHRNA4 is on the minus strand). VCF-style: chr20-63350201-GC-AA. GRCh37 (hg19) VCF-style: chr20-61981553-GC-AA.
Other names: c.681_682delinsTT, p.Pro228Ser (NM_001256573.2); short protein forms P404S, P228S.
Identifiers: ClinVar variation 422561 (VCV000422561.4), dbSNP rs1064795858, ClinGen allele CA16620952.

ClinVar aggregate classification (germline): Uncertain significance. Review status: criteria provided, multiple submitters, no conflicts (2 of 4 stars). 2 submissions from 2 submitters: Uncertain significance (2). Last evaluated 2023-12-02.

Conditions:
Familial sleep-related hypermotor epilepsy. Also called: Autosomal Dominant Sleep-Related Hypermotor (Hyperkinetic) Epilepsy. Identifiers: Orphanet 98784, MedGen C3696898, MONDO:0000030.

Submissions (2):

Labcorp Genetics (formerly Invitae), Labcorp
Classification: Uncertain significance. Last evaluated: 2023-12-02. Review status: criteria provided, single submitter. Criteria: Invitae Variant Classification Sherloc (09022015). Collection method: clinical testing. Allele origin: germline.
Comment: This sequence change replaces proline, which is neutral and non-polar, with serine, which is neutral and polar, at codon 404 of the CHRNA4 protein (p.Pro404Ser). Information on the frequency of this variant in the gnomAD database is not available, as this variant may be reported differently in the database. This variant has not been reported in the literature in individuals affected with CHRNA4-related conditions. This missense change has been observed in at least one individual who was not affected with CHRNA4-related conditions (Invitae). ClinVar contains an entry for this variant (Variation ID: 422561). Experimental studies and prediction algorithms are not available or were not evaluated, and the functional significance of this variant is currently unknown. In summary, the available evidence is currently insufficient to determine the role of this variant in disease. Therefore, it has been classified as a Variant of Uncertain Significance.

GeneDx
Classification: Uncertain significance. Last evaluated: 2016-10-24. Review status: criteria provided, single submitter. Criteria: GeneDx Variant Classification (06012015). Collection method: clinical testing. Allele origin: germline. Affected: yes.
Comment: A variant of uncertain significance has been identified in the CHRNA4 gene. The c.1209_1210delGCinsTT variant is caused by two nucleotide substitutions (c.1209 G>T and c.1210 C>T) on the same allele (in cis), resulting in an in-frame deletion of a single Proline residue and the insertion of a single Serine residue at amino acid position 404, denoted P404S. It was not observed in approximately 6,500 individuals of European and African American ancestry in the NHLBI Exome Sequencing Project, indicating it is not a common benign variant in these populations. P404S is a non-conservative amino acid substitution, which is likely to impact secondary protein structure as these residues differ in polarity, charge, size and/or other properties. This substitution occurs at a position that is not conserved. In silico analysis predicts this variant likely does not alter the protein structure/function. Therefore, based on the currently available information, it is unclear whether this variant is a pathogenic variant or a rare benign variant.